The following is an entry in ClinVar:

ClinVar aggregate classification (germline): Benign/Likely benign. Review status: criteria provided, multiple submitters, no conflicts (2 of 4 stars). 15 submissions from 15 submitters: Benign (2); Likely benign (10). 3 of the submissions do not count toward it. Last evaluated 2026-01-04.

Conditions:
MSH6-related disorder. Also called: MSH6-related condition; MSH6-Related disorders.
Hereditary nonpolyposis colorectal neoplasms. Identifiers: MedGen C0009405, MeSH D003123.
Hereditary cancer-predisposing syndrome. Also called: Neoplastic Syndromes, Hereditary; Tumor predisposition; Hereditary Cancer Syndrome; Hereditary neoplastic syndrome. Identifiers: Orphanet 140162, MedGen C0027672, MeSH D009386, MONDO:0015356.
Lynch syndrome 5 (LYNCH5). Also called: Hereditary non-polyposis colorectal cancer, type 5; Colorectal cancer, hereditary nonpolyposis, type 5. Identifiers: Orphanet 144, MedGen C1833477, MONDO:0013710, OMIM 614350. Disease mechanism: loss of function.

Allele frequency attached by ClinVar (database versions not stated): TOPMed 0.00001; gnomAD 0.00004 and 0.00005; ESP Exome Variant Server 0.00008.
gnomAD v4.1: 90 of 1,613,856 alleles (0.0056%); highest among the groups gnomAD compares: Middle Eastern, 0.033%; no homozygotes.

Submissions (15):

Labcorp Genetics (formerly Invitae), Labcorp
Classification: Likely benign for Hereditary nonpolyposis colorectal neoplasms. Last evaluated: 2026-01-04. Review status: criteria provided, single submitter. Criteria: Invitae Variant Classification Sherloc (09022015). Collection method: clinical testing. Allele origin: germline.

Center for Genomic Medicine, Rigshospitalet, Copenhagen University Hospital
Classification: Likely benign. Last evaluated: 2025-03-04. Review status: criteria provided, single submitter. Criteria: ACMG Guidelines, 2015. Collection method: clinical testing. Allele origin: germline.

Molecular Diagnostics Laboratory, Catalan Institute of Oncology
Classification: Likely benign for Hereditary cancer-predisposing syndrome. Last evaluated: 2025-01-09. Review status: criteria provided, single submitter. Criteria: MMR VCEP Paper Draft V3.1. Collection method: clinical testing. Allele origin: germline.
Comment: BP4, BP7 c.3852G>A, located in exon 9 of the MSH6 gene, is predicted to result in no splicing alteration (according to SpliceAI and other computational tools) and no amino acid change, p.(Thr1284=) (BP4, BP7). This variant is found in 15/267618 alleles at a frequency of 0.0056% in the gnomAD v2.1.1 database, non-cancer dataset. To our knowledge, neither relevant clinical data nor well-stablished functional studies have been reported for this variant. In addition, the variant was also identified in the following databases: InSiGHT (VUS: insufficient evidence), ClinVar (2x benign, 11x likely benign)and LOVD (2x uncertain significance). Based on the currently available information, c.3852G>A is classified as a likely benign variant according to ClinGen-MMR Guidelines Draft v3.1.

Blueprint Genetics
Classification: Likely benign. Last evaluated: 2024-10-29. Review status: criteria provided, single submitter. Criteria: ACMG Guidelines, 2015. Collection method: clinical testing. Allele origin: germline.

Myriad Genetics, Inc.
Classification: Benign for Lynch syndrome 5. Last evaluated: 2023-03-29. Review status: criteria provided, single submitter. Criteria: Myriad Autosomal Dominant, Autosomal Recessive and X-Linked Classification Criteria (2023). Collection method: clinical testing. Allele origin: unknown.
Comment: This variant is considered benign. This variant is a silent/synonymous amino acid change and it is not expected to impact splicing.

Sema4
Classification: Likely benign for Hereditary cancer-predisposing syndrome. Last evaluated: 2021-10-19. Review status: criteria provided, single submitter. Criteria: Sema4 Curation Guidelines. Collection method: curation. Allele origin: germline.

Quest Diagnostics Nichols Institute San Juan Capistrano
Classification: Likely benign. Last evaluated: 2021-05-24. Review status: criteria provided, single submitter. Criteria: Quest Diagnostics criteria. Collection method: clinical testing. Allele origin: unknown.

Women's Health and Genetics/Laboratory Corporation of America, LabCorp
Classification: Likely benign. Last evaluated: 2019-08-29. Review status: criteria provided, single submitter. Criteria: LabCorp Variant Classification Summary - May 2015. Collection method: clinical testing. Allele origin: germline.

Color Diagnostics, LLC DBA Color Health
Classification: Likely benign for Hereditary cancer-predisposing syndrome. Last evaluated: 2016-11-28. Review status: criteria provided, single submitter. Criteria: ACMG Guidelines, 2015. Collection method: clinical testing. Allele origin: germline.

GeneDx
Classification: Benign. Last evaluated: 2015-08-27. Review status: criteria provided, single submitter. Criteria: GeneDx Variant Classification (06012015). Collection method: clinical testing. Allele origin: germline. Affected: yes.
Comment: This variant is considered likely benign or benign based on one or more of the following criteria: it is a conservative change, it occurs at a poorly conserved position in the protein, it is predicted to be benign by multiple in silico algorithms, and/or has population frequency not consistent with disease.

Ambry Genetics
Classification: Likely benign for Hereditary cancer-predisposing syndrome. Last evaluated: 2014-11-11. Review status: criteria provided, single submitter. Criteria: Ambry Variant Classification Scheme 2023. Collection method: clinical testing. Allele origin: germline.

Breakthrough Genomics
Classification: Likely benign. Review status: criteria provided, single submitter. Criteria: ACMG Guidelines, 2015. Collection method: not provided. Allele origin: germline. Inheritance: Autosomal recessive inheritance. Affected: yes.

PreventionGenetics, part of Exact Sciences
Classification: Likely benign for MSH6-related condition. Last evaluated: 2019-03-08. Review status: no assertion criteria provided. Collection method: clinical testing. Allele origin: germline. Not counted in ClinVar's aggregate classification.
Comment: This variant is classified as likely benign based on ACMG/AMP sequence variant interpretation guidelines (Richards et al. 2015 PMID: 25741868, with internal and published modifications).

Counsyl
Classification: Likely benign for Lynch syndrome 5. Last evaluated: 2018-03-12. Review status: no assertion criteria provided. Collection method: clinical testing. Allele origin: unknown. Not counted in ClinVar's aggregate classification.

Department of Pathology and Laboratory Medicine, Sinai Health System
Classification: Likely benign. Review status: no assertion criteria provided. Collection method: clinical testing. Allele origin: unknown. Affected: yes. Study: The Canadian Open Genetics Repository (COGR). Not counted in ClinVar's aggregate classification.
Comment: The MSH6 p.Thr1284= variant was identified in 1 of 178 proband chromosomes (frequency: 0.006) from Dutch individuals or families with suspected HNPCC carrying MSI-H + MSH6 IHC deficient tumours or non-MSI-H tumours, the affected case having a non-MSI-H tumour (Kets 2006). The variant was also identified in dbSNP (ID: rs2229018) â€šÃ„ÃºWith Uncertain significance,other alleleâ€šÃ„Ã¹, ClinVar (uncertain significance, reviewed by an expert panel (last evaluated 2013); submitters: benign by GeneDx, likely benign by Ambry Genetics and Invitae, uncertain significance by InSIGHT), Cosmic (2x in a chondrosarcoma and endometrial carcinoma), Insight Colon Cancer Gene Variant Database (1X as Class 3), Mismatch Repair Genes Variant Database (1x), but was not identified in GeneInsight-COGR, MutDB, UMD-LSDB, Zhejiang Colon Cancer Database, and Insight Hereditary Tumors Database. The variant was identified in control databases in 16 of 276758 chromosomes at a frequency of 0.00006 increasing the likelihood this could be a low frequency benign variant (Genome Aggregation Consortium Feb 27, 2017). The p.Thr1284= variant is not expected to have clinical significance because it does not result in a change of amino acid and is not located in a known consensus splice site. In addition, in silico or computational prediction software programs (SpliceSiteFinder, MaxEntScan, NNSPLICE, GeneSplicer, HumanSpliceFinder) do not predict a difference in splicing. In summary, based on the above information the clinical significance of this variant cannot be determined with certainty at this time although we would lean towards a more benign role for this variant. This variant is classified as likely benign.

Literature cited by the submitters: PubMed 18809606 (cited by Quest Diagnostics Nichols Institute San Juan Capistrano and Counsyl); PubMed 17117178 (cited by 3 submitters); PubMed 14574004 (cited by 3 submitters).

NM_000179.3(MSH6):c.3852G>A (p.Thr1284=)

Gene: MSH6 (mutS homolog 6; plus strand). Cytogenetic location: 2p16.3.
Variant type: single nucleotide variant.
Coding change: c.3852G>A on transcript NM_000179.3 (MANE Select); coding-DNA position 3852, G replaced by A.
Protein change: p.Thr1284=; no amino-acid change (threonine 1284 retained).
Molecular consequence: synonymous variant.
Genome position (GRCh38, 1-based): chr2:47,806,502, G>A. VCF-style: chr2-47806502-G-A. GRCh37 (hg19) VCF-style: chr2-48033641-G-A.
Other names: c.3462G>A, p.Thr1154= (NM_001281492.2); c.2946G>A, p.Thr982= (NM_001281493.2, NM_001281494.2).
Identifiers: ClinVar variation 89477 (VCV000089477.34), dbSNP rs2229018, ClinGen allele CA014591.